The following is an entry in ClinVar:

NM_004370.6(COL12A1):c.8987C>T (p.Pro2996Leu)

Gene: COL12A1 (collagen type XII alpha 1 chain; minus strand). Cytogenetic location: 6q13.
Variant type: single nucleotide variant.
Coding change: c.8987C>T on transcript NM_004370.6 (MANE Select); coding-DNA position 8987, C replaced by T.
Protein change: p.Pro2996Leu; replaces proline 2996 with leucine.
Molecular consequence: missense variant.
Genome position (GRCh38, 1-based): chr6:75,089,129, G>A on the plus strand (C>T on the coding strand, the complement: COL12A1 is on the minus strand). VCF-style: chr6-75089129-G-A. GRCh37 (hg19) VCF-style: chr6-75798845-G-A.
Other names: c.8987C>T, p.Pro2996Leu (NM_001424113.1); c.8966C>T, p.Pro2989Leu (NM_001424114.1); c.8714C>T, p.Pro2905Leu (NM_001424115.1); c.5495C>T, p.Pro1832Leu (NM_001424116.1, NM_080645.3); short protein forms P1832L, P2905L, P2989L, P2996L.
Identifiers: ClinVar variation 3907558 (VCV003907558.1).
Genomic context (GRCh38, chr6:75,089,129, plus strand): 5'-TATAGTCTTTGCCTGTTTAAAATACTAGCAAACCTACCTGGGGGGCCAGGCAGCCCCCGA[G>A]GTCCTGAAGATCCAGTACCCCTTTCACCTTTCTCTCCTGGCAAACCTAAGGAGGGAGAAA-3'
Protein context (NP_004361.3, residues 2986-3006): KGERGTGSSG[Pro2996Leu]RGLPGPPGPQ

ClinVar aggregate classification (germline): Uncertain significance (1 of 4 stars; one submission).

gnomAD v4.1: 2 of 1,611,422 alleles (0.00012%); highest among the groups gnomAD compares: African/African-American, 0.0013%; no homozygotes.

Submission:

Women's Health and Genetics/Laboratory Corporation of America, LabCorp
Classification: Uncertain significance. Last evaluated: 2025-06-24. Review status: criteria provided, single submitter. Criteria: LabCorp Variant Classification Summary - May 2015. Collection method: clinical testing. Allele origin: germline.
Comment: Variant summary: COL12A1 c.8987C>T (p.Pro2996Leu) results in a non-conservative amino acid change in the encoded protein sequence. Algorithms developed to predict the effect of missense changes on protein structure and function all suggest that this variant is likely to be disruptive. The variant allele was found at a frequency of 4.1e-06 in 245808 control chromosomes. The available data on variant occurrences in the general population are insufficient to allow any conclusion about variant significance. To our knowledge, no occurrence of c.8987C>T in individuals affected with Ullrich congenital muscular dystrophy 2 and no experimental evidence demonstrating its impact on protein function have been reported. No submitters have cited clinical-significance assessments for this variant to ClinVar. Based on the evidence outlined above, the variant was classified as uncertain significance.